The following is an entry in ClinVar:

NM_032776.3(JMJD1C):c.4051A>G (p.Thr1351Ala)

Gene: JMJD1C (jumonji domain containing 1C; minus strand). Cytogenetic location: 10q21.3.
Variant type: single nucleotide variant.
Coding change: c.4051A>G on transcript NM_032776.3 (MANE Select); coding-DNA position 4051, A replaced by G.
Protein change: p.Thr1351Ala; replaces threonine 1351 with alanine.
Molecular consequence: missense variant. On other transcripts: non-coding transcript variant (1).
Genome position (GRCh38, 1-based): chr10:63,207,618, T>C on the plus strand (A>G on the coding strand, the complement: JMJD1C is on the minus strand). VCF-style: chr10-63207618-T-C. GRCh37 (hg19) VCF-style: chr10-64967378-T-C.
Other names: c.3505A>G, p.Thr1169Ala (NM_001282948.2, NM_001318154.2); c.3187A>G, p.Thr1063Ala (NM_001318153.2); c.3937A>G, p.Thr1313Ala (NM_001322252.2); c.3394A>G, p.Thr1132Ala (NM_001322254.2, NM_001322258.2); short protein forms T1063A, T1132A, T1351A, T1169A, T1313A.
Identifiers: ClinVar variation 940382 (VCV000940382.10), dbSNP rs1453521404, ClinGen allele CA377038740.
Genomic context (GRCh38, chr10:63,207,618, plus strand): 5'-TTTTTTCAGATTTTGTGTGAACACTGTCTGAATTCACATTTGGCAAAATGATTCTTCCAG[T>C]TTCTCCGGCTTCTGCTAGTTTGAGGCAATCTGTTTTATGTGCCCCAGCTGAAGATCTTTC-3'
Protein context (NP_116165.1, residues 1341-1361): DCLKLAEAGE[Thr1351Ala]GRIILPNVNS

ClinVar aggregate classification (germline): Uncertain significance. Review status: criteria provided, single submitter (1 of 4 stars). 2 submissions from 2 submitters: Uncertain significance (1). 1 of the submissions does not count toward it. Last evaluated 2022-07-26.

Conditions:
JMJD1C-related disorder. Also called: JMJD1C-related condition.
Early Myoclonic Encephalopathy. Identifiers: MedGen C0270855.

Allele frequency attached by ClinVar (database versions not stated): gnomAD exomes below 0.00001.
gnomAD v4.1: 3 of 1,614,158 alleles (0.00019%); highest among the groups gnomAD compares: Admixed American, 0.0017%; no homozygotes.

Submissions (2):

Labcorp Genetics (formerly Invitae), Labcorp
Classification: Uncertain significance for Early Myoclonic Encephalopathy. Last evaluated: 2022-07-26. Review status: criteria provided, single submitter. Criteria: Invitae Variant Classification Sherloc (09022015). Collection method: clinical testing. Allele origin: germline.
Comment: This sequence change replaces threonine, which is neutral and polar, with alanine, which is neutral and non-polar, at codon 1351 of the JMJD1C protein (p.Thr1351Ala). This variant is present in population databases (no rsID available, gnomAD 0.003%). This variant has not been reported in the literature in individuals affected with JMJD1C-related conditions. ClinVar contains an entry for this variant (Variation ID: 940382). Algorithms developed to predict the effect of missense changes on protein structure and function output the following: SIFT: "Deleterious"; PolyPhen-2: "Benign"; Align-GVGD: "Class C0". The alanine amino acid residue is found in multiple mammalian species, which suggests that this missense change does not adversely affect protein function. In summary, the available evidence is currently insufficient to determine the role of this variant in disease. Therefore, it has been classified as a Variant of Uncertain Significance.

PreventionGenetics, part of Exact Sciences
Classification: Uncertain significance for JMJD1C-related condition. Last evaluated: 2024-07-04. Review status: no assertion criteria provided. Collection method: clinical testing. Allele origin: germline. Not counted in ClinVar's aggregate classification.
Comment: The JMJD1C c.4051A>G variant is predicted to result in the amino acid substitution p.Thr1351Ala. To our knowledge, this variant has not been reported in the literature. This variant is reported in 0.0029% of alleles in individuals of Latino descent in gnomAD. At this time, the clinical significance of this variant is uncertain due to the absence of conclusive functional and genetic evidence.